The following is an entry in ClinVar:

NM_001943.5(DSG2):c.2288C>T (p.Ala763Val)

Genes: DSG2 (desmoglein 2; plus strand), DSG2-AS1 (DSG2 antisense RNA 1; minus strand). Cytogenetic location: 18q12.1.
Variant type: single nucleotide variant.
Coding change: c.2288C>T on transcript NM_001943.5 (MANE Select); coding-DNA position 2288, C replaced by T.
Protein change: p.Ala763Val; replaces alanine 763 with valine.
Molecular consequence: missense variant.
Genome position (GRCh38, 1-based): chr18:31,542,806, C>T. VCF-style: chr18-31542806-C-T. GRCh37 (hg19) VCF-style: chr18-29122769-C-T.
Other names: short protein forms A763V.
Identifiers: ClinVar variation 3070819 (VCV003070819.1), dbSNP rs919157668, ClinGen allele CA297700318.

ClinVar aggregate classification (germline): Uncertain significance (1 of 4 stars; one submission).

Conditions:
Arrhythmogenic right ventricular cardiomyopathy (ARVD). Also called: Arrhythmogenic right ventricular dysplasia; Cardiomyopathy, ARVC; Arrhythmogenic cardiomyopathy; Arrhythmogenic Right Ventricular Cardiomyopathy (ARVC). Identifiers: Orphanet 247, MedGen C0349788, MeSH D019571, MONDO:0016587. Disease mechanism: loss of function. Inheritance: Various modes of inheritance.

Submission:

All of Us Research Program, National Institutes of Health
Classification: Uncertain significance for Arrhythmogenic right ventricular cardiomyopathy. Last evaluated: 2023-05-04. Review status: criteria provided, single submitter. Criteria: ACMG Guidelines, 2015. Collection method: clinical testing. Allele origin: germline. Inheritance: Autosomal dominant inheritance. Observed: 1 variant allele, 1 heterozygote.
Comment: This missense variant replaces alanine with valine at codon 763 of the DSG2 protein. Computational prediction suggests that this variant may not impact protein structure and function (internally defined REVEL score threshold <= 0.5, PMID: 27666373). To our knowledge, functional studies have not been reported for this variant. This variant has not been reported in individuals affected with DSG2-related disorders in the literature. This variant has not been identified in the general population by the Genome Aggregation Database (gnomAD). The available evidence is insufficient to determine the role of this variant in disease conclusively. Therefore, this variant is classified as a Variant of Uncertain Significance.

This study involves interpretation of variants in research participants for the purpose of population health screening. Participant phenotype was not available at the time of variant classification. Additional details can be found in publication PMID: 35346344, PMCID: PMC8962531